The following is an entry in ClinVar:

ClinVar aggregate classification (germline): Benign. Review status: criteria provided, multiple submitters, no conflicts (2 of 4 stars). 2 submissions from 2 submitters: Benign (2). Last evaluated 2023-11-12.

Allele frequency attached by ClinVar (database versions not stated): 1000 Genomes Project 0.53874; TOPMed 0.60637; 1000 Genomes Project 30x 0.53935; gnomAD 0.60564 and 0.61210.
gnomAD v4.1: 377,577 of 621,082 alleles (61%); highest among the groups gnomAD compares: Non-Finnish European, 64%; 116,578 homozygotes.

Submissions (2):

Unidad de Genómica Garrahan, Hospital de Pediatría Garrahan
Classification: Benign. Last evaluated: 2023-11-12. Review status: criteria provided, single submitter. Criteria: ACMG Guidelines, 2015. Collection method: clinical testing. Allele origin: germline. Affected: no. Observed: 49 variant alleles.
Comment: This variant is classified as Benign based on local population frequency. This variant was detected in 51% of patients studied by a panel of primary immunodeficiencies. Number of patients: 49. Only high quality variants are reported.

GeneDx
Classification: Benign. Last evaluated: 2018-11-12. Review status: criteria provided, single submitter. Criteria: GeneDx Variant Classification Process June 2021. Collection method: clinical testing. Allele origin: germline. Affected: yes.

NM_001364905.1(LRBA):c.7195-141T>C

Gene: LRBA (LPS responsive beige-like anchor protein; minus strand). Cytogenetic location: 4q31.3.
Variant type: single nucleotide variant.
Coding change: c.7195-141T>C on transcript NM_001364905.1 (MANE Select); 141 bases into the intron before coding-DNA position 7195, T replaced by C.
Molecular consequence: intron variant.
Genome position (GRCh38, 1-based): chr4:150,350,300, A>G on the plus strand (T>C on the coding strand, the complement: LRBA is on the minus strand). VCF-style: chr4-150350300-A-G. GRCh37 (hg19) VCF-style: chr4-151271452-A-G.
Other names: c.7195-141T>C (NM_001367550.1, NM_001199282.3, NM_001440431.1); c.7228-141T>C (NM_006726.5, NM_001440430.1); c.898-141T>C (NM_001440432.1); c.892-141T>C (NM_001440433.1).
Identifiers: ClinVar variation 1251388 (VCV001251388.4), dbSNP rs13145548, ClinGen allele CA11736087.